The following is an entry in ClinVar:

NM_138694.4(PKHD1):c.2379_2380insTTCCTAATAC (p.Ile794fs)

Gene: PKHD1 (PKHD1 ciliary IPT domain containing fibrocystin/polyductin; minus strand). Cytogenetic location: 6p12.2.
Variant type: Insertion.
Coding change: c.2379_2380insTTCCTAATAC on transcript NM_138694.4 (MANE Select); coding-DNA positions 2379 to 2380, TTCCTAATAC inserted.
Protein change: p.Ile794fs; shifts the reading frame from isoleucine 794.
Molecular consequence: frameshift variant.
Genome position: GRCh38 VCF-style: chr6-52048519-T-TGTATTAGGAA. GRCh37 (hg19) VCF-style: chr6-51913317-T-TGTATTAGGAA.
Other names: c.2379_2380insTTCCTAATAC, p.Ile794fs (NM_170724.3); short protein forms I794fs.
Identifiers: ClinVar variation 4816604 (VCV004816604.1).

ClinVar aggregate classification (germline): Likely pathogenic (1 of 4 stars; one submission).

Conditions:
Autosomal recessive polycystic kidney disease (ARPKD). Also called: AR polycystic kidney disease. Identifiers: Orphanet 731, Orphanet 8378, MedGen C0085548, MeSH D017044, MONDO:0009889.

Submission:

Natera, Inc.
Classification: Likely pathogenic for Autosomal recessive polycystic kidney disease. Last evaluated: 2025-11-10. Review status: criteria provided, single submitter. Criteria: Natera Variant Classification Schema (03/2026). Collection method: clinical testing. Allele origin: germline.
Comment: The c.2379_2380insTTCCTAATAC variant in PKHD1 is a frameshift variant predicted to shift the reading frame beginning at codon 794 and leads to a stop codon 8 codons downstream. This variant is expected to result in nonsense mediated decay, truncation, or a dysfunctional protein product. This variant is rare in the general population with a frequency below the threshold expected for the associated phenotype(s). Given the available evidence, this variant is classified as Likely Pathogenic.